The following is an entry in ClinVar:

NM_001367823.1(ARHGEF18):c.2174C>A (p.Ala725Asp)

Gene: ARHGEF18 (Rho/Rac guanine nucleotide exchange factor 18; plus strand). Cytogenetic location: 19p13.2.
Variant type: single nucleotide variant.
Coding change: c.2174C>A on transcript NM_001367823.1 (MANE Select); coding-DNA position 2174, C replaced by A.
Protein change: p.Ala725Asp; replaces alanine 725 with aspartic acid.
Molecular consequence: missense variant.
Genome position (GRCh38, 1-based): chr19:7,456,396, C>A. VCF-style: chr19-7456396-C-A. GRCh37 (hg19) VCF-style: chr19-7521282-C-A.
Other names: c.1448C>A, p.Ala483Asp (NM_001130955.2); c.1136C>A, p.Ala379Asp (NM_001367824.1, NM_015318.4); short protein forms A483D, A379D, A725D.
Identifiers: ClinVar variation 2104779 (VCV002104779.4), dbSNP rs2512285050, ClinGen allele CA403115964.

ClinVar aggregate classification (germline): Uncertain significance (1 of 4 stars; one submission).

Submission:

Labcorp Genetics (formerly Invitae), Labcorp
Classification: Uncertain significance. Last evaluated: 2023-04-24. Review status: criteria provided, single submitter. Criteria: Invitae Variant Classification Sherloc (09022015). Collection method: clinical testing. Allele origin: germline.
Comment: ClinVar contains an entry for this variant (Variation ID: 2104779). This variant has not been reported in the literature in individuals affected with ARHGEF18-related conditions. This variant is not present in population databases (gnomAD no frequency). This sequence change replaces alanine, which is neutral and non-polar, with aspartic acid, which is acidic and polar, at codon 537 of the ARHGEF18 protein (p.Ala537Asp). In summary, the available evidence is currently insufficient to determine the role of this variant in disease. Therefore, it has been classified as a Variant of Uncertain Significance. An algorithm developed to predict the effect of missense changes on protein structure and function (PolyPhen-2) suggests that this variant is likely to be disruptive.